The following is an entry in ClinVar:

ClinVar aggregate classification (germline): Benign/Likely benign. Review status: criteria provided, multiple submitters, no conflicts (2 of 4 stars). 3 submissions from 3 submitters: Benign (1); Likely benign (2). Last evaluated 2024-05-02.

Conditions:
Hereditary cancer-predisposing syndrome. Also called: Tumor predisposition; Neoplastic Syndromes, Hereditary; Hereditary Cancer Syndrome; Hereditary neoplastic syndrome. Identifiers: Orphanet 140162, MedGen C0027672, MeSH D009386, MONDO:0015356.
Familial cancer of breast. Also called: BREAST CANCER, FAMILIAL; hereditary breast carcinoma; Hereditary breast cancer. Identifiers: Orphanet 227535, MedGen C0346153, MONDO:0016419, OMIM 114480. Disease mechanism: loss of function.
Ataxia-telangiectasia syndrome (AT). Also called: Ataxia-telangiectasia; Ataxia-telangiectasia, complementation group D; AT, COMPLEMENTATION GROUP C; LOUIS-BAR SYNDROME; Cerebello-oculocutaneous telangiectasia; Immunodeficiency with ataxia telangiectasia. Identifiers: Orphanet 100, MedGen C0004135, MONDO:0008840, OMIM 208900.

Submissions (3):

Myriad Genetics, Inc.
Classification: Benign for Familial cancer of breast. Last evaluated: 2024-05-02. Review status: criteria provided, single submitter. Criteria: Myriad Autosomal Dominant, Autosomal Recessive and X-Linked Classification Criteria (2023). Collection method: clinical testing. Allele origin: unknown.
Comment: This variant is considered benign. This variant is a silent/synonymous amino acid change and it is not expected to impact splicing.

Labcorp Genetics (formerly Invitae), Labcorp
Classification: Likely benign for Ataxia-telangiectasia syndrome. Last evaluated: 2020-11-28. Review status: criteria provided, single submitter. Criteria: Invitae Variant Classification Sherloc (09022015). Collection method: clinical testing. Allele origin: germline.

Color Diagnostics, LLC DBA Color Health
Classification: Likely benign for Hereditary cancer-predisposing syndrome. Last evaluated: 2017-04-28. Review status: criteria provided, single submitter. Criteria: ACMG Guidelines, 2015. Collection method: clinical testing. Allele origin: germline.

NM_000051.4(ATM):c.1890G>T (p.Val630=)

Gene: ATM (ATM serine/threonine kinase; plus strand). Cytogenetic location: 11q22.3.
Variant type: single nucleotide variant.
Coding change: c.1890G>T on transcript NM_000051.4 (MANE Select); coding-DNA position 1890, G replaced by T.
Protein change: p.Val630=; no amino-acid change (valine 630 retained).
Molecular consequence: synonymous variant.
Genome position (GRCh38, 1-based): chr11:108,252,904, G>T. VCF-style: chr11-108252904-G-T. GRCh37 (hg19) VCF-style: chr11-108123631-G-T.
Other names: c.1890G>T, p.Val630= (NM_001351834.2).
Identifiers: ClinVar variation 490444 (VCV000490444.12), dbSNP rs1555072586, ClinGen allele CA476672255.